The following is an entry in ClinVar:

NM_001611.5(ACP5):c.550C>T (p.Gln184Ter)

Gene: ACP5 (acid phosphatase 5, tartrate resistant; minus strand). Cytogenetic location: 19p13.2.
Variant type: single nucleotide variant.
Coding change: c.550C>T on transcript NM_001611.5 (MANE Select); coding-DNA position 550, C replaced by T.
Protein change: p.Gln184Ter; replaces glutamine 184 with a stop codon.
Molecular consequence: nonsense.
Genome position (GRCh38, 1-based): chr19:11,576,428, G>A on the plus strand (C>T on the coding strand, the complement: ACP5 is on the minus strand). VCF-style: chr19-11576428-G-A. GRCh37 (hg19) VCF-style: chr19-11687243-G-A.
Other names: c.550C>T, p.Gln184Ter (NM_001111034.3, NM_001111035.3, NM_001111036.3 and 1 more transcripts); short protein forms Q184*.
Identifiers: ClinVar variation 2134218 (VCV002134218.5), dbSNP rs1208849844, ClinGen allele CA404146700.

ClinVar aggregate classification (germline): Pathogenic/Likely pathogenic. Review status: criteria provided, multiple submitters, no conflicts (2 of 4 stars). 2 submissions from 2 submitters: Pathogenic (1); Likely pathogenic (1). Last evaluated 2025-05-11.

Conditions:
ACP5-related disorder. Also called: ACP5-related condition.
Spondyloenchondrodysplasia with immune dysregulation (SPENCDI). Also called: COMBINED IMMUNODEFICIENCY WITH AUTOIMMUNITY AND SPONDYLOMETAPHYSEAL DYSPLASIA; ROIFMAN IMMUNOSKELETAL SYNDROME; SPONDYLOENCHONDRODYSPLASIA WITH OR WITHOUT IMMUNE DYSREGULATION. Identifiers: Orphanet 1855, MedGen C1842763, MONDO:0011939, OMIM 607944.

Allele frequency attached by ClinVar (database versions not stated): gnomAD 0.00001.
gnomAD v4.1: 3 of 1,613,912 alleles (0.00019%); highest among the groups gnomAD compares: Admixed American, 0.0017%; no homozygotes.

Submissions (2):

Labcorp Genetics (formerly Invitae), Labcorp
Classification: Pathogenic for Spondyloenchondrodysplasia with immune dysregulation. Last evaluated: 2025-05-11. Review status: criteria provided, single submitter. Criteria: Invitae Variant Classification Sherloc (09022015). Collection method: clinical testing. Allele origin: germline.
Comment: This sequence change creates a premature translational stop signal (p.Gln184*) in the ACP5 gene. It is expected to result in an absent or disrupted protein product. Loss-of-function variants in ACP5 are known to be pathogenic (PMID: 21217752, 21217755). This variant is not present in population databases (gnomAD no frequency). This variant has not been reported in the literature in individuals affected with ACP5-related conditions. ClinVar contains an entry for this variant (Variation ID: 2134218). For these reasons, this variant has been classified as Pathogenic.

Blueprint Genetics
Classification: Likely pathogenic for ACP5-related disorders. Last evaluated: 2024-09-10. Review status: criteria provided, single submitter. Criteria: ACMG Guidelines, 2015. Collection method: clinical testing. Allele origin: germline. Affected: yes. Observed: 3 variant alleles.

Literature cited by the submitters: PubMed 21217752 (cited by Labcorp Genetics (formerly Invitae), Labcorp); PubMed 21217755 (cited by Labcorp Genetics (formerly Invitae), Labcorp).